The following is an entry in ClinVar:

NM_001353345.2(SETD1B):c.4570C>T (p.Arg1524Ter)

Gene: SETD1B (SET domain containing 1B, histone lysine methyltransferase; plus strand). Cytogenetic location: 12q24.31.
Variant type: single nucleotide variant.
Coding change: c.4570C>T on transcript NM_001353345.2 (MANE Select); coding-DNA position 4570, C replaced by T.
Protein change: p.Arg1524Ter; replaces arginine 1524 with a stop codon.
Molecular consequence: nonsense.
Genome position (GRCh38, 1-based): chr12:121,823,149, C>T. VCF-style: chr12-121823149-C-T. GRCh37 (hg19) VCF-style: chr12-122261055-C-T.
Other names: short protein forms R1524*.
Identifiers: ClinVar variation 3342612 (VCV003342612.1).

ClinVar aggregate classification (germline): Pathogenic (1 of 4 stars; one submission).

Submission:

GeneDx
Classification: Pathogenic. Last evaluated: 2023-09-18. Review status: criteria provided, single submitter. Criteria: GeneDx Variant Classification Process June 2021. Collection method: clinical testing. Allele origin: germline. Affected: yes.
Comment: Nonsense variant predicted to result in protein truncation or nonsense mediated decay in a gene for which loss of function is a known mechanism of disease; Not observed at significant frequency in large population cohorts (gnomAD); This variant is associated with the following publications: (PMID: 34345025)